The following is an entry in ClinVar:

NM_001029883.3(PCARE):c.2063G>A (p.Cys688Tyr)

Gene: PCARE (photoreceptor cilium actin regulator; minus strand). Cytogenetic location: 2p23.2.
Variant type: single nucleotide variant.
Coding change: c.2063G>A on transcript NM_001029883.3 (MANE Select); coding-DNA position 2063, G replaced by A.
Protein change: p.Cys688Tyr; replaces cysteine 688 with tyrosine.
Molecular consequence: missense variant.
Genome position (GRCh38, 1-based): chr2:29,072,199, C>T on the plus strand (G>A on the coding strand, the complement: PCARE is on the minus strand). VCF-style: chr2-29072199-C-T. GRCh37 (hg19) VCF-style: chr2-29295065-C-T.
Other names: short protein forms C688Y.
Identifiers: ClinVar variation 193146 (VCV000193146.53), dbSNP rs149601594, ClinGen allele CA200359.
Genomic context (GRCh38, chr2:29,072,199, plus strand): 5'-GATGGGATGGCATTTGGAAGCTTCCCAGCTTTGCCTTGTTCGTCCTCAGGATGGGGATTG[C>T]ATTTCTGCAAGATGCTCTTGTCCTGACTAGGCAAAATACTGAAGTTCTTGGTGAGGGATG-3'
Protein context (NP_001025054.1, residues 678-698): PSQDKSILQK[Cys688Tyr]NPHPEDEQGK

ClinVar aggregate classification (germline): Conflicting classifications of pathogenicity. Review status: criteria provided, conflicting classifications (1 of 4 stars). 6 submissions from 6 submitters: Uncertain significance (1); Benign (4); Likely benign (1). Last evaluated 2026-08-01.

Conditions:
Retinitis pigmentosa (RP). Identifiers: Orphanet 791, MedGen C0035334, MeSH D012174, MONDO:0019200, OMIM 268000. Inheritance: Autosomal dominant, autosomal recessive and X linked inheritance.
Retinitis pigmentosa 54 (RP54). Identifiers: Orphanet 791, MedGen C3150691, MONDO:0013263, OMIM 613428.

Allele frequency attached by ClinVar (database versions not stated): 1000 Genomes Project 0.00240; 1000 Genomes Project 30x 0.00250; ExAC 0.00445; gnomAD exomes 0.00504 and 0.00673; gnomAD 0.00522 and 0.00556; TOPMed 0.00554; ESP Exome Variant Server 0.00568.

Submissions (6):

CeGaT Center for Human Genetics Tuebingen
Classification: Likely benign. Last evaluated: 2026-08-01. Review status: criteria provided, single submitter. Criteria: CeGaT Center For Human Genetics Tuebingen Variant Classification Criteria Version 2. Collection method: clinical testing. Allele origin: germline. Affected: yes. Observed: 3 variant alleles.
Comment: PCARE: BP4, BS2

Labcorp Genetics (formerly Invitae), Labcorp
Classification: Benign. Last evaluated: 2026-01-26. Review status: criteria provided, single submitter. Criteria: Invitae Variant Classification Sherloc (09022015). Collection method: clinical testing. Allele origin: germline.

ARUP Laboratories, Molecular Genetics and Genomics, ARUP Laboratories
Classification: Benign for Retinitis pigmentosa 54. Last evaluated: 2020-04-17. Review status: criteria provided, single submitter. Criteria: ARUP Molecular Germline Variant Investigation Process. Collection method: clinical testing. Allele origin: germline.

Illumina Laboratory Services, Illumina
Classification: Benign for Retinitis pigmentosa. Last evaluated: 2017-04-27. Review status: criteria provided, single submitter. Criteria: ICSL Variant Classification Criteria 13 December 2019. Collection method: clinical testing. Allele origin: germline.
Comment: This variant was observed as part of a predisposition screen in an ostensibly healthy population. A literature search was performed for the gene, cDNA change, and amino acid change (where applicable). Publications were found based on this search. The evidence from the literature, in combination with allele frequency data from public databases where available, was sufficient to rule this variant out of causing disease. Therefore, this variant is classified as benign.

Center for Pediatric Genomic Medicine, Children's Mercy Hospital and Clinics
Classification: Uncertain significance. Last evaluated: 2016-04-18. Review status: criteria provided, single submitter. Criteria: ACMG Guidelines, 2015. Collection method: clinical testing. Allele origin: germline.
ClinVar note: Converted during submission from Uncertain Significance to Uncertain significance.

Eurofins Ntd Llc (ga)
Classification: Benign. Last evaluated: 2014-10-08. Review status: criteria provided, single submitter. Criteria: EGL Classification Definitions 2015. Collection method: clinical testing. Allele origin: germline. Observed: 2 variant alleles, 1 heterozygote, 1 homozygote.

Literature cited by the submitters: PubMed 20811058 (cited by Illumina Laboratory Services, Illumina and Eurofins Ntd Llc (ga)); PubMed 21412943 (cited by Illumina Laboratory Services, Illumina and Eurofins Ntd Llc (ga)).